The following is an entry in ClinVar:

NM_020921.4(NIN):c.3814C>T (p.Arg1272Cys)

Gene: NIN (ninein; minus strand). Cytogenetic location: 14q22.1.
Variant type: single nucleotide variant.
Coding change: c.3814C>T on transcript NM_020921.4 (MANE Select); coding-DNA position 3814, C replaced by T.
Protein change: p.Arg1272Cys; replaces arginine 1272 with cysteine.
Molecular consequence: missense variant. On other transcripts: intron variant (1).
Genome position (GRCh38, 1-based): chr14:50,757,216, G>A on the plus strand (C>T on the coding strand, the complement: NIN is on the minus strand). VCF-style: chr14-50757216-G-A. GRCh37 (hg19) VCF-style: chr14-51223934-G-A.
Other names: c.3814C>T, p.Arg1272Cys (NM_182944.3, NM_182946.2); c.2400-2349C>T (NM_016350.5); short protein forms R1272C.
Identifiers: ClinVar variation 4710096 (VCV004710096.1).
Genomic context (GRCh38, chr14:50,757,216, plus strand): 5'-CCTGCAACCTGAAAACCTCTGCAGTGAGTTCTTTGTTATTTTCTAGTGCCTCATCGTAGC[G>A]TGTCTCCATCATTCTCAGCTCTTCCTGAAGGCAGTCATTTTCTCGGCTCACATCTTCATA-3'
Protein context (NP_065972.4, residues 1262-1282): LQEELRMMET[Arg1272Cys]YDEALENNKE

ClinVar aggregate classification (germline): Uncertain significance (1 of 4 stars; one submission).

gnomAD v4.1: 12 of 1,613,990 alleles (0.00074%); highest among the groups gnomAD compares: Admixed American, 0.0033%; no homozygotes.

Submission:

Labcorp Genetics (formerly Invitae), Labcorp
Classification: Uncertain significance. Last evaluated: 2025-10-01. Review status: criteria provided, single submitter. Criteria: Invitae Variant Classification Sherloc (09022015). Collection method: clinical testing. Allele origin: germline.
Comment: This sequence change replaces arginine, which is basic and polar, with cysteine, which is neutral and slightly polar, at codon 1272 of the NIN protein (p.Arg1272Cys). This variant is present in population databases (rs753804413, gnomAD 0.006%). This variant has not been reported in the literature in individuals affected with NIN-related conditions. An algorithm developed to predict the effect of missense changes on protein structure and function (PolyPhen-2) suggests that this variant is likely to be tolerated. In summary, the available evidence is currently insufficient to determine the role of this variant in disease. Therefore, it has been classified as a Variant of Uncertain Significance.